The following is an entry in ClinVar:

ClinVar aggregate classification (germline): Uncertain significance (1 of 4 stars; one submission).

Conditions:
Familial adenomatous polyposis 1 (FAP1). Also called: FAMILIAL ADENOMATOUS POLYPOSIS 1, ATTENUATED; POLYPOSIS, ADENOMATOUS INTESTINAL. Identifiers: MedGen C2713442, MONDO:0021056, OMIM 175100. Disease mechanism: loss of function.

Submission:

Labcorp Genetics (formerly Invitae), Labcorp
Classification: Uncertain significance for Familial adenomatous polyposis 1. Last evaluated: 2022-09-06. Review status: criteria provided, single submitter. Criteria: Invitae Variant Classification Sherloc (09022015). Collection method: clinical testing. Allele origin: germline.
Comment: In summary, the available evidence is currently insufficient to determine the role of this variant in disease. Therefore, it has been classified as a Variant of Uncertain Significance. Algorithms developed to predict the effect of missense changes on protein structure and function (SIFT, PolyPhen-2, Align-GVGD) all suggest that this variant is likely to be disruptive. This variant has not been reported in the literature in individuals affected with APC-related conditions. This variant is not present in population databases (gnomAD no frequency). This sequence change replaces isoleucine, which is neutral and non-polar, with valine, which is neutral and non-polar, at codon 718 of the APC protein (p.Ile718Val).

NM_000038.6(APC):c.2152A>G (p.Ile718Val)

Gene: APC (APC regulator of Wnt signaling pathway; plus strand). Cytogenetic location: 5q22.2.
Variant type: single nucleotide variant.
Coding change: c.2152A>G on transcript NM_000038.6 (MANE Select); coding-DNA position 2152, A replaced by G.
Protein change: p.Ile718Val; replaces isoleucine 718 with valine.
Molecular consequence: missense variant.
Genome position (GRCh38, 1-based): chr5:112,837,746, A>G. VCF-style: chr5-112837746-A-G. GRCh37 (hg19) VCF-style: chr5-112173443-A-G.
Other names: c.2152A>G, p.Ile718Val (NM_001127510.3, NM_001354895.2, NM_001407450.1); c.2098A>G, p.Ile700Val (NM_001127511.3); c.2206A>G, p.Ile736Val (NM_001354896.2, NM_001407447.1, NM_001407448.1 and 1 more transcripts); c.2182A>G, p.Ile728Val (NM_001354897.2); c.2077A>G, p.Ile693Val (NM_001354898.2); c.2068A>G, p.Ile690Val (NM_001354899.2); c.2029A>G, p.Ile677Val (NM_001354900.2); c.1975A>G, p.Ile659Val (NM_001354901.2, NM_001407453.1); and 11 more; short protein forms I334V, I435V, I558V, I589V, I592V, I617V, I627V, I635V.
Identifiers: ClinVar variation 1718887 (VCV001718887.6), dbSNP rs2149861814, ClinGen allele CA16026043.